The following is an entry in ClinVar:

ClinVar aggregate classification (germline): Benign. Review status: criteria provided, multiple submitters, no conflicts (2 of 4 stars). 5 submissions from 5 submitters: Benign (5). Last evaluated 2026-02-04.

Conditions:
Dubin-Johnson syndrome (DJS). Also called: HYPERBILIRUBINEMIA, DUBIN-JOHNSON TYPE; Jaundice, Chronic Idiopathic; Hyperbilirubinemia type 2. Identifiers: Orphanet 234, MedGen C0022350, MONDO:0009380, OMIM 237500.

Allele frequency attached by ClinVar (database versions not stated): 1000 Genomes Project 30x 0.03716; 1000 Genomes Project 0.03814; gnomAD 0.05476 and 0.05624; ExAC 0.05485; TOPMed 0.05945; ESP Exome Variant Server 0.06136.
gnomAD v4.1: 85,574 of 1,606,394 alleles (5.3%); highest among the groups gnomAD compares: Middle Eastern, 13%; 2,605 homozygotes.

Submissions (5):

Labcorp Genetics (formerly Invitae), Labcorp
Classification: Benign. Last evaluated: 2026-02-04. Review status: criteria provided, single submitter. Criteria: Invitae Variant Classification Sherloc (09022015). Collection method: clinical testing. Allele origin: germline.

Mayo Clinic Laboratories, Mayo Clinic
Classification: Benign. Last evaluated: 2022-04-29. Review status: criteria provided, single submitter. Criteria: ACMG Guidelines, 2015. Collection method: clinical testing. Allele origin: germline. Observed: 50 variant alleles.

GeneDx
Classification: Benign. Last evaluated: 2018-11-10. Review status: criteria provided, single submitter. Criteria: GeneDx Variant Classification Process June 2021. Collection method: clinical testing. Allele origin: germline. Affected: yes.

Illumina Laboratory Services, Illumina
Classification: Benign for Dubin-Johnson syndrome. Last evaluated: 2018-01-13. Review status: criteria provided, single submitter. Criteria: ICSL Variant Classification Criteria 13 December 2019. Collection method: clinical testing. Allele origin: germline.
Comment: This variant was observed in the ICSL laboratory as part of a predisposition screen in an ostensibly healthy population. It had not been previously curated by ICSL or reported in the Human Gene Mutation Database (HGMD: prior to June 1st, 2018), and was therefore a candidate for classification through an automated scoring system. Utilizing variant allele frequency, disease prevalence and penetrance estimates, and inheritance mode, an automated score was calculated to assess if this variant is too frequent to cause the disease. Based on the score and internal cut-off values, a variant classified as benign is not then subjected to further curation. The score for this variant resulted in a classification of benign for this disease.

Breakthrough Genomics
Classification: Benign. Review status: criteria provided, single submitter. Criteria: ACMG Guidelines, 2015. Collection method: not provided. Allele origin: germline. Inheritance: Autosomal recessive inheritance. Affected: yes.

NM_000392.5(ABCC2):c.4146+11G>C

Gene: ABCC2 (ATP binding cassette subfamily C member 2; plus strand). Cytogenetic location: 10q24.2.
Variant type: single nucleotide variant.
Coding change: c.4146+11G>C on transcript NM_000392.5 (MANE Select); 11 bases into the intron after coding-DNA position 4146, G replaced by C.
Molecular consequence: intron variant.
Genome position (GRCh38, 1-based): chr10:99,845,793, G>C. VCF-style: chr10-99845793-G-C. GRCh37 (hg19) VCF-style: chr10-101605550-G-C.
Other names: p.?; c.4146+11G>C (LRG_1208t1).
Identifiers: ClinVar variation 298474 (VCV000298474.14), dbSNP rs17216282, ClinGen allele CA5644041.